The following is an entry in ClinVar:

NM_001012339.3(DNAJC21):c.222A>G (p.Lys74=)

Gene: DNAJC21 (DnaJ heat shock protein family (Hsp40) member C21; plus strand). Cytogenetic location: 5p13.2.
Variant type: single nucleotide variant.
Coding change: c.222A>G on transcript NM_001012339.3 (MANE Select); coding-DNA position 222, A replaced by G.
Protein change: p.Lys74=; no amino-acid change (lysine 74 retained).
Molecular consequence: synonymous variant.
Genome position (GRCh38, 1-based): chr5:34,935,740, A>G. VCF-style: chr5-34935740-A-G. GRCh37 (hg19) VCF-style: chr5-34935845-A-G.
Other names: c.222A>G (NM_001012339.2); c.222A>G, p.Lys74= (NM_001348420.2, NM_194283.4).
Identifiers: ClinVar variation 732646 (VCV000732646.12), dbSNP rs148637112, ClinGen allele CA3228377.

ClinVar aggregate classification (germline): Benign/Likely benign. Review status: criteria provided, multiple submitters, no conflicts (2 of 4 stars). 4 submissions from 4 submitters: Benign (1); Likely benign (1). 2 of the submissions do not count toward it. Last evaluated 2025-09-22.

Conditions:
DNAJC21-related disorder. Also called: DNAJC21-related condition.

Allele frequency attached by ClinVar (database versions not stated): gnomAD exomes 0.00003 and 0.00008; ExAC 0.00012; 1000 Genomes Project 30x 0.00016; 1000 Genomes Project 0.00020; gnomAD 0.00032 and 0.00037; ESP Exome Variant Server 0.00038; TOPMed 0.00040.
gnomAD v4.1: 91 of 1,614,010 alleles (0.0056%); highest among the groups gnomAD compares: African/African-American, 0.1%; 1 homozygote.

Submissions (4):

Labcorp Genetics (formerly Invitae), Labcorp
Classification: Benign. Last evaluated: 2025-09-22. Review status: criteria provided, single submitter. Criteria: Invitae Variant Classification Sherloc (09022015). Collection method: clinical testing. Allele origin: germline.

Blueprint Genetics
Classification: Likely benign. Last evaluated: 2021-08-11. Review status: criteria provided, single submitter. Criteria: ACMG Guidelines, 2015. Collection method: clinical testing. Allele origin: germline.

Genetic Services Laboratory, University of Chicago
Classification: Likely benign. Last evaluated: 2022-09-07. Review status: no assertion criteria provided. Collection method: clinical testing. Allele origin: germline. Affected: no. Not counted in ClinVar's aggregate classification.

PreventionGenetics, part of Exact Sciences
Classification: Likely benign for DNAJC21-related condition. Last evaluated: 2019-11-25. Review status: no assertion criteria provided. Collection method: clinical testing. Allele origin: germline. Not counted in ClinVar's aggregate classification.
Comment: This variant is classified as likely benign based on ACMG/AMP sequence variant interpretation guidelines (Richards et al. 2015 PMID: 25741868, with internal and published modifications).